The following is an entry in ClinVar:

ClinVar aggregate classification (germline): Uncertain significance (1 of 4 stars; one submission).

Conditions:
Congenital muscular dystrophy due to integrin alpha-7 deficiency. Also called: Congenital muscular dystrophy with integrin alpha-7 deficiency; Muscular dystrophy, congenital, due to ITGA7 deficiency; MYOPATHY, CONGENITAL, DUE TO INTEGRIN ALPHA-7 DEFICIENCY. Identifiers: Orphanet 34520, MedGen C2750786, MONDO:0013177, OMIM 613204.

Allele frequency attached by ClinVar (database versions not stated): gnomAD 0.00001; TOPMed 0.00006; ExAC 0.00009; gnomAD exomes 0.00011.
gnomAD v4.1: 60 of 1,612,272 alleles (0.0037%); highest among the groups gnomAD compares: South Asian, 0.034%; no homozygotes.

Submission:

Labcorp Genetics (formerly Invitae), Labcorp
Classification: Uncertain significance for Congenital muscular dystrophy due to integrin alpha-7 deficiency. Last evaluated: 2025-12-03. Review status: criteria provided, single submitter. Criteria: Invitae Variant Classification Sherloc (09022015). Collection method: clinical testing. Allele origin: germline.
Comment: This sequence change replaces isoleucine, which is neutral and non-polar, with threonine, which is neutral and polar, at codon 137 of the ITGA7 protein (p.Ile137Thr). This variant is present in population databases (rs780832051, gnomAD 0.04%). This variant has not been reported in the literature in individuals affected with ITGA7-related conditions. ClinVar contains an entry for this variant (Variation ID: 470581). Invitae Evidence Modeling of protein sequence and biophysical properties (such as structural, functional, and spatial information, amino acid conservation, physicochemical variation, residue mobility, and thermodynamic stability) has been performed for this missense variant. However, the output from this modeling did not meet the statistical confidence thresholds required to predict the impact of this variant on ITGA7 protein function. In summary, the available evidence is currently insufficient to determine the role of this variant in disease. Therefore, it has been classified as a Variant of Uncertain Significance.

NM_002206.3(ITGA7):c.410T>C (p.Ile137Thr)

Gene: ITGA7 (integrin subunit alpha 7; minus strand). Cytogenetic location: 12q13.2.
Variant type: single nucleotide variant.
Coding change: c.410T>C on transcript NM_002206.3 (MANE Select); coding-DNA position 410, T replaced by C.
Protein change: p.Ile137Thr; replaces isoleucine 137 with threonine.
Molecular consequence: missense variant. On other transcripts: 5 prime UTR variant (1), intron variant (1).
Genome position (GRCh38, 1-based): chr12:55,702,876, A>G on the plus strand (T>C on the coding strand, the complement: ITGA7 is on the minus strand). VCF-style: chr12-55702876-A-G. GRCh37 (hg19) VCF-style: chr12-56096660-A-G.
Other names: c.410T>C, p.Ile137Thr (NM_001144996.2, NM_001374465.1, NM_001410977.1 and 6 more transcripts); c.71T>C, p.Ile24Thr (NM_001367993.1, NM_001414035.1); c.-763T>C (NM_001367994.1); c.86-1460T>C (NM_001144997.2); short protein forms I137T, I24T.
Identifiers: ClinVar variation 470581 (VCV000470581.7), dbSNP rs780832051, ClinGen allele CA6616362.